The following is an entry in ClinVar:

NM_005912.3(MC4R):c.835_836dup (p.Phe280fs)

Gene: MC4R (melanocortin 4 receptor; minus strand). Cytogenetic location: 18q21.32.
Variant type: Microsatellite.
Coding change: c.835_836dup on transcript NM_005912.3 (MANE Select); coding-DNA positions 835 to 836, 2 bases duplicated (TG; older notation c.835_836dupTG).
Protein change: p.Phe280fs; shifts the reading frame from phenylalanine 280.
Molecular consequence: frameshift variant.
Genome position (GRCh38, 1-based): chr18:60,371,514-60,371,515, CA duplicated on the plus strand (TG on the coding strand, the reverse complement: MC4R is on the minus strand); duplicating any 2 consecutive bases within chr18:60,371,514-60,371,521 gives the same sequence; the c. name uses the placement nearest the transcript's 3' end. VCF-style (leftmost placement, unchanged base first): chr18-60371513-G-GCA. GRCh37 (hg19) VCF-style: chr18-58038746-G-GCA.
Other names: c.835_836dupTG (NM_005912.2, NM_005912.2); short protein forms F280fs.
Identifiers: ClinVar variation 36487 (VCV000036487.15), dbSNP rs193922687, ClinGen allele CA214148.

ClinVar aggregate classification (germline): Pathogenic/Likely pathogenic. Review status: criteria provided, multiple submitters, no conflicts (2 of 4 stars). 7 submissions from 7 submitters: Pathogenic (5); Likely pathogenic (2). Last evaluated 2026-07-19.

Conditions:
MC4R-related disorder. Also called: MC4R-related condition.
Obesity due to melanocortin 4 receptor deficiency. Identifiers: Orphanet 71529, MedGen C4273958, MONDO:0019115.
BODY MASS INDEX QUANTITATIVE TRAIT LOCUS 20 (BMIQ20). Also called: MELANOCORTIN 4 RECEPTOR DEFICIENCY; MC4R DEFICIENCY. Identifiers: MedGen C4759928, OMIM 618406.
Obesity. Also called: Obesity disorder. Identifiers: Orphanet 71529, MedGen C0028754, MeSH D009765, MONDO:0011122, HP:0001513.
Early onset severe obesity. Identifiers: MedGen C4013980.

Submissions (7):

GeneDx
Classification: Pathogenic. Last evaluated: 2026-07-19. Review status: criteria provided, single submitter. Criteria: GeneDx Variant Classification Process June 2021. Collection method: clinical testing. Allele origin: germline.
Comment: Identified in unrelated individuals with obesity referred for genetic testing at GeneDx and in the published literature (PMID: 12646665); Frameshift variant predicted to result in abnormal protein length as the last 53 amino acid(s) are replaced with 11 different amino acid(s), and other similar variants have been reported in HGMD; Published functional studies show the variant results in loss of function (PMID: 12646665); Not observed at significant frequency in large population cohorts (gnomAD); This variant is associated with the following publications: (PMID: 16752916, 10903343, 12646665, 16274851, 18801902, 27701398, 37601970, 39096151, 24077912)

PreventionGenetics, part of Exact Sciences
Classification: Pathogenic for MC4R-related condition. Last evaluated: 2026-07-08. Review status: criteria provided, single submitter. Criteria: ACMG Guidelines, 2015. Collection method: clinical testing. Allele origin: germline.
Comment: The MC4R c.835_836dupTG variant is predicted to result in a frameshift and premature protein termination (p.Phe280Alafs*12). This variant is also referred to as an insertion of GT at codon 279 or as TM6Ins in the literature. It has been reported in individuals with severe, early-onset obesity (see, for example: Farooqi et al. 2000. PubMed ID: 10903343; Farooqi et al. 2003. PubMed ID: 12646665; Tan et al. 2008. PubMed ID: 18801902). In vitro experimental studies indicate this variant impacts protein function (Farooqi et al. 2003. PubMed ID: 12646665; Xiang et al. 2006. PubMed ID: 16752916). This variant is reported in 0.00088% of alleles in individuals of European (non-Finnish) descent in gnomAD. Frameshift variants in MC4R are expected to be pathogenic. This variant is interpreted as pathogenic.

Cambridge Genomics Laboratory, East Genomic Laboratory Hub, NHS Genomic Medicine Service
Classification: Pathogenic for Severe early-onset obesity. Last evaluated: 2024-09-02. Review status: criteria provided, single submitter. Criteria: ACGS Best Practice Guidelines for Variant Classification in Rare Disease 2020. Collection method: clinical testing. Allele origin: germline. Affected: yes.
Comment: The p.Phe280Alafs*12 variant is observed in 1/113.664 (0.0009%) alleles from individuals of gnomAD Non Finnish European background in gnomAD All. The p.Phe280Alafs*12 variant is novel (not in any individuals) in 1kG All. (PM2 - Moderate) | This variant has been previously classified as pathogenic, indicating that the region is critical to protein function. There are 2 downstream pathogenic loss of function variants, with the furthest variant being 22 residues downstream of this variant. This indicates that the region is critical to protein function. The p.Phe280Alafs*12 variant is a loss of function variant in the gene MC4R, which is intolerant of Loss of Function variants, as indicated by the presence of existing pathogenic loss of function variant NP_005903.2:p.Y35* and 10 others. (PVS1_Strong - Strong) | Functional studies demonstrate that this variant has a damaging effect on the gene or gene product (PS3 - Strong) | The variant cosegregates with the disease in multiple affected family members. (PP1 - Supporting)

Laboratory for Molecular Medicine, Mass General Brigham Personalized Medicine
Classification: Likely pathogenic for Obesity due to melanocortin 4 receptor deficiency. Last evaluated: 2022-03-01. Review status: criteria provided, single submitter. Criteria: ACMG Guidelines, 2015. Collection method: clinical testing. Allele origin: germline. Inheritance: Autosomal dominant inheritance.
Comment: proposed classification - variant undergoing re-assessment, contact laboratory

Fulgent Genetics
Classification: Pathogenic for BODY MASS INDEX QUANTITATIVE TRAIT LOCUS 20. Last evaluated: 2021-07-14. Review status: criteria provided, single submitter. Criteria: ACMG Guidelines, 2015. Collection method: clinical testing. Allele origin: unknown.

Broad Center for Mendelian Genomics, Broad Institute of MIT and Harvard
Classification: Likely pathogenic for Obesity. Last evaluated: 2020-01-22. Review status: criteria provided, single submitter. Criteria: ACMG Guidelines, 2015. Collection method: curation. Allele origin: germline. Inheritance: Autosomal dominant inheritance.
Comment: The p.Phe280Alafs variant in MC4R has been reported in at least 4 individuals from the UK with obesity, segregated with disease in at these four affected relatives from two families (PMID: 18801902,12646665), and has been identified in 0.0009% (1/113664) of European (non-Finnish) chromosomes by the Genome Aggregation Database (gnomAD; dbSNP rs193922687). This variant has also been reported in ClinVar as pathogenic (Variation ID: 36487). In vitro functional studies provide evidence that the p.Phe280Alafs variant may impact protein function (PMID: 12646665). However, these types of assays may not accurately represent biological function. This variant is predicted to cause a frameshift, which alters the protein's amino acid sequence beginning at position 280 and leads to a premature termination codon 12 amino acids downstream. This alteration is then predicted to lead to a truncated protein since this is a single exon gene that is not predicted to undergo nonsense mediated decay. Heterozygous loss of function of the MC4R gene is an established disease mechanism in obesity. In summary, although additional studies are required to fully establish its clinical significance, this variant is likely pathogenic. ACMG/AMP Criteria applied: PS3, PVS1_strong, PM2_supporting, PP1, PS4_supporting (Richards 2015).

Women's Health and Genetics/Laboratory Corporation of America, LabCorp
Classification: Pathogenic for Early Onset Obesity. Last evaluated: 2011-08-18. Review status: criteria provided, single submitter. Criteria: LabCorp Variant Classification Summary - May 2015. Collection method: curation, clinical testing. Allele origin: germline. Inheritance: autosomal dominant. Affected: yes. Observed: 6 variant alleles.
ClinVar note: Converted during submission from pathogenic to Pathogenic.

Literature cited by the submitters: PubMed 10903343 (cited by Laboratory for Molecular Medicine, Mass General Brigham Personalized Medicine); PubMed 27701398 (cited by Laboratory for Molecular Medicine, Mass General Brigham Personalized Medicine); PubMed 16752916 (cited by Laboratory for Molecular Medicine, Mass General Brigham Personalized Medicine); PubMed 12646665 (cited by 3 submitters); PubMed 18801902 (cited by Broad Center for Mendelian Genomics, Broad Institute of MIT and Harvard and Women's Health and Genetics/Laboratory Corporation of America, LabCorp); PubMed 17229951 (cited by Women's Health and Genetics/Laboratory Corporation of America, LabCorp); PubMed 16274851 (cited by Women's Health and Genetics/Laboratory Corporation of America, LabCorp).